The following is an entry in ClinVar:

ClinVar aggregate classification (germline): Conflicting classifications of pathogenicity. Review status: criteria provided, conflicting classifications (1 of 4 stars). 4 submissions from 4 submitters: Pathogenic (1); Likely pathogenic (1); Uncertain significance (2). Last evaluated 2025-03-01.

Conditions:
Sotos syndrome (SOTOS). Also called: CEREBRAL GIGANTISM; Sotos' syndrome; Distinctive facial appearance, overgrowth in childhood, and learning disabilities or delayed development; CHROMOSOME 5q35 DELETION SYNDROME; SOTOS SYNDROME 1. Identifiers: Orphanet 821, MedGen C0175695, MONDO:0019349, OMIM 117550.

Submissions (4):

CeGaT Center for Human Genetics Tuebingen
Classification: Pathogenic. Last evaluated: 2025-03-01. Review status: criteria provided, single submitter. Criteria: CeGaT Center For Human Genetics Tuebingen Variant Classification Criteria Version 2. Collection method: clinical testing. Allele origin: germline. Affected: yes. Observed: 1 variant allele.
Comment: NSD1: PVS1, PM2

Labcorp Genetics (formerly Invitae), Labcorp
Classification: Uncertain significance. Last evaluated: 2025-02-12. Review status: criteria provided, single submitter. Criteria: Invitae Variant Classification Sherloc (09022015). Collection method: clinical testing. Allele origin: germline.
Comment: This sequence change creates a premature translational stop signal (p.Asn83Metfs*2) in the NSD1 gene. While this is not anticipated to result in nonsense mediated decay, it is expected to disrupt the last 2614 amino acid(s) of the NSD1 protein. This variant is not present in population databases (gnomAD no frequency). This premature translational stop signal has been observed in individual(s) with spinocerebellar ataxia (PMID: 29593781). In summary, the available evidence is currently insufficient to determine the role of this variant in disease. Therefore, it has been classified as a Variant of Uncertain Significance.

Genetics Laboratory, UDIAT-Centre Diagnòstic, Hospital Universitari Parc Tauli
Classification: Likely pathogenic for Sotos syndrome. Last evaluated: 2023-02-27. Review status: criteria provided, single submitter. Criteria: ACMG Guidelines, 2015. Collection method: clinical testing. Allele origin: unknown. Inheritance: Autosomal dominant inheritance. Affected: yes.
Comment: PVS1_very strong;PM2_supporting

Blueprint Genetics
Classification: Uncertain significance. Last evaluated: 2022-11-15. Review status: criteria provided, single submitter. Criteria: ACMG Guidelines, 2015. Collection method: clinical testing. Allele origin: germline.

Literature cited by the submitters: PubMed 29593781 (cited by Labcorp Genetics (formerly Invitae), Labcorp).

NM_022455.5(NSD1):c.248del (p.Asn83fs)

Gene: NSD1 (nuclear receptor binding SET domain protein 1; plus strand). Cytogenetic location: 5q35.3.
Variant type: Deletion.
Coding change: c.248del on transcript NM_022455.5 (MANE Select); coding-DNA position 248, one base deleted (A; older notation c.248delA).
Protein change: p.Asn83fs; shifts the reading frame from asparagine 83.
Molecular consequence: frameshift variant. On other transcripts: intron variant (7).
Genome position (GRCh38, 1-based): chr5:177,135,351, A deleted; the last of 2 consecutive A bases (chr5:177,135,350-177,135,351); deleting either gives the same sequence. VCF-style (leftmost placement, unchanged base first): chr5-177135349-CA-C. GRCh37 (hg19) VCF-style: chr5-176562350-CA-C.
Other names: c.248del, p.Asn83fs (NM_001409301.1, NM_001409302.1, NM_001409303.1 and 1 more transcripts); c.-37+151del (NM_001409305.1, NM_001409306.1, NM_001409308.1 and 4 more transcripts); short protein forms N83fs.
Identifiers: ClinVar variation 3897601 (VCV003897601.10).